The following is an entry in ClinVar:

NM_001035.3(RYR2):c.9095G>C (p.Cys3032Ser)

Gene: RYR2 (ryanodine receptor 2; plus strand). Cytogenetic location: 1q43.
Variant type: single nucleotide variant.
Coding change: c.9095G>C on transcript NM_001035.3 (MANE Select); coding-DNA position 9095, G replaced by C.
Protein change: p.Cys3032Ser; replaces cysteine 3032 with serine.
Molecular consequence: missense variant.
Genome position (GRCh38, 1-based): chr1:237,698,992, G>C. VCF-style: chr1-237698992-G-C. GRCh37 (hg19) VCF-style: chr1-237862292-G-C.
Other names: c.9095G>C (NM_001035.2); short protein forms C3032S.
Identifiers: ClinVar variation 2721986 (VCV002721986.5), dbSNP rs866111420, ClinGen allele CA345406530.

ClinVar aggregate classification (germline): Uncertain significance. Review status: criteria provided, multiple submitters, no conflicts (2 of 4 stars). 3 submissions from 3 submitters: Uncertain significance (3). Last evaluated 2025-04-21.

Conditions:
RYR2-related disorder. Also called: RYR2-related condition.
Catecholaminergic polymorphic ventricular tachycardia (CVPT). Also called: Catecholamine-induced polymorphic ventricular tachycardia. Identifiers: Orphanet 3286, MedGen C5574922, MONDO:0017990.
Catecholaminergic polymorphic ventricular tachycardia 1. Also called: VENTRICULAR TACHYCARDIA, CATECHOLAMINERGIC POLYMORPHIC, 1, WITH OR WITHOUT ATRIAL DYSFUNCTION AND/OR DILATED CARDIOMYOPATHY; VENTRICULAR TACHYCARDIA, STRESS-INDUCED POLYMORPHIC 1; RYR2-Related Catecholaminergic Polymorphic Ventricular Tachycardia. Identifiers: Orphanet 3286, MedGen C1631597, MONDO:0011484, OMIM 604772.

Allele frequency attached by ClinVar (database versions not stated): gnomAD exomes below 0.00001.
gnomAD v4.1: 5 of 1,556,986 alleles (0.00032%); highest among the groups gnomAD compares: Non-Finnish European, 0.00035%; no homozygotes.

Submissions (3):

PreventionGenetics, part of Exact Sciences
Classification: Uncertain significance for RYR2-related condition. Last evaluated: 2025-04-21. Review status: criteria provided, single submitter. Criteria: ACMG Guidelines, 2015. Collection method: clinical testing. Allele origin: germline.
Comment: The RYR2 c.9095G>C variant is predicted to result in the amino acid substitution p.Cys3032Ser. This variant has been reported as a variant of uncertain significance in a cohort of individuals with suspected non-ischemic cardiomyopathy (Vokač et al. 2024. PubMed ID: 38254962). This variant has not been reported in a large population database (gnomAD), indicating this variant is rare. At this time, the clinical significance of this variant is uncertain due to the absence of conclusive functional and genetic evidence.

Labcorp Genetics (formerly Invitae), Labcorp
Classification: Uncertain significance for Catecholaminergic polymorphic ventricular tachycardia 1. Last evaluated: 2024-07-23. Review status: criteria provided, single submitter. Criteria: Invitae Variant Classification Sherloc (09022015). Collection method: clinical testing. Allele origin: germline.
Comment: This sequence change replaces cysteine, which is neutral and slightly polar, with serine, which is neutral and polar, at codon 3032 of the RYR2 protein (p.Cys3032Ser). This variant is not present in population databases (gnomAD no frequency). This variant has not been reported in the literature in individuals affected with RYR2-related conditions. Advanced modeling of protein sequence and biophysical properties (such as structural, functional, and spatial information, amino acid conservation, physicochemical variation, residue mobility, and thermodynamic stability) performed at Invitae indicates that this missense variant is expected to disrupt RYR2 protein function with a positive predictive value of 95%. In summary, the available evidence is currently insufficient to determine the role of this variant in disease. Therefore, it has been classified as a Variant of Uncertain Significance.

All of Us Research Program, National Institutes of Health
Classification: Uncertain significance for Catecholaminergic polymorphic ventricular tachycardia. Last evaluated: 2024-03-05. Review status: criteria provided, single submitter. Criteria: ACMG Guidelines, 2015. Collection method: clinical testing. Allele origin: germline. Inheritance: Autosomal dominant inheritance. Observed: 3 variant alleles, 3 heterozygotes.
Comment: This missense variant replaces cysteine with serine at codon 3032 of the RYR2 protein. Computational prediction suggests that this variant may have deleterious impact on protein structure and function (internally defined REVEL score threshold >= 0.7, PMID: 27666373). To our knowledge, functional studies have not been reported for this variant. This variant has not been reported in individuals affected with RYR2-related disorders in the literature. This variant has not been identified in the general population by the Genome Aggregation Database (gnomAD). The available evidence is insufficient to determine the role of this variant in disease conclusively. Therefore, this variant is classified as a Variant of Uncertain Significance.

This study involves interpretation of variants in research participants for the purpose of population health screening. Participant phenotype was not available at the time of variant classification. Additional details can be found in publication PMID: 35346344, PMCID: PMC8962531